The following is an entry in ClinVar:

NM_001457.4(FLNB):c.6277G>A (p.Gly2093Arg)

Gene: FLNB (filamin B; plus strand). Cytogenetic location: 3p14.3.
Variant type: single nucleotide variant.
Coding change: c.6277G>A on transcript NM_001457.4 (MANE Select); coding-DNA position 6277, G replaced by A.
Protein change: p.Gly2093Arg; replaces glycine 2093 with arginine.
Molecular consequence: missense variant.
Genome position (GRCh38, 1-based): chr3:58,150,137, G>A. VCF-style: chr3-58150137-G-A. GRCh37 (hg19) VCF-style: chr3-58135864-G-A.
Other names: c.6370G>A, p.Gly2124Arg (NM_001164317.2); c.6244G>A, p.Gly2082Arg (NM_001164318.2); c.6205G>A, p.Gly2069Arg (NM_001164319.2); short protein forms G2069R, G2082R, G2124R, G2093R.
Identifiers: ClinVar variation 2717392 (VCV002717392.3), dbSNP rs1317906933, ClinGen allele CA353357847.

ClinVar aggregate classification (germline): Uncertain significance (1 of 4 stars; one submission).

Allele frequency attached by ClinVar (database versions not stated): gnomAD exomes below 0.00001; TOPMed 0.00002.
gnomAD v4.1: 2 of 1,614,224 alleles (0.00012%); highest among the groups gnomAD compares: African/African-American, 0.0013%; no homozygotes.

Submission:

Labcorp Genetics (formerly Invitae), Labcorp
Classification: Uncertain significance. Last evaluated: 2025-03-24. Review status: criteria provided, single submitter. Criteria: Invitae Variant Classification Sherloc (09022015). Collection method: clinical testing. Allele origin: germline.
Comment: This sequence change replaces glycine, which is neutral and non-polar, with arginine, which is basic and polar, at codon 2093 of the FLNB protein (p.Gly2093Arg). This variant is not present in population databases (gnomAD no frequency). This variant has not been reported in the literature in individuals affected with FLNB-related conditions. ClinVar contains an entry for this variant (Variation ID: 2717392). Invitae Evidence Modeling of protein sequence and biophysical properties (such as structural, functional, and spatial information, amino acid conservation, physicochemical variation, residue mobility, and thermodynamic stability) has been performed for this missense variant. However, the output from this modeling did not meet the statistical confidence thresholds required to predict the impact of this variant on FLNB protein function. In summary, the available evidence is currently insufficient to determine the role of this variant in disease. Therefore, it has been classified as a Variant of Uncertain Significance.